The following is an entry in ClinVar:

NM_015599.3(PGM3):c.338A>C (p.Glu113Ala)

Gene: PGM3 (phosphoglucomutase 3; minus strand). Cytogenetic location: 6q14.1.
Variant type: single nucleotide variant.
Coding change: c.338A>C on transcript NM_015599.3 (MANE Select); coding-DNA position 338, A replaced by C.
Protein change: p.Glu113Ala; replaces glutamic acid 113 with alanine.
Molecular consequence: missense variant. On other transcripts: non-coding transcript variant (1).
Genome position (GRCh38, 1-based): chr6:83,188,665, T>G on the plus strand (A>C on the coding strand, the complement: PGM3 is on the minus strand). VCF-style: chr6-83188665-T-G. GRCh37 (hg19) VCF-style: chr6-83898384-T-G.
Other names: c.422A>C, p.Glu141Ala (NM_001199917.2, NM_001367287.1); c.95A>C, p.Glu32Ala (NM_001199918.2); c.338A>C, p.Glu113Ala (NM_001199919.2, NM_001367286.1); short protein forms E141A, E32A, E113A.
Identifiers: ClinVar variation 1502204 (VCV001502204.8), dbSNP rs1207568204, ClinGen allele CA364851633.

ClinVar aggregate classification (germline): Uncertain significance (1 of 4 stars; one submission).

Conditions:
Immunodeficiency 23 (IMD23). Also called: IMMUNODEFICIENCY WITH HYPER IgE AND COGNITIVE IMPAIRMENT; IMMUNODEFICIENCY-VASCULITIS-MYOCLONUS SYNDROME. Identifiers: Orphanet 443811, MedGen C4014371, MONDO:0014353, OMIM 615816.

Allele frequency attached by ClinVar (database versions not stated): gnomAD exomes below 0.00001.
gnomAD v4.1: 1 of 1,614,152 alleles (0.000062%); highest among the groups gnomAD compares: Admixed American, 0.0017%; no homozygotes.

Submission:

Labcorp Genetics (formerly Invitae), Labcorp
Classification: Uncertain significance for Immunodeficiency 23. Last evaluated: 2022-08-15. Review status: criteria provided, single submitter. Criteria: Invitae Variant Classification Sherloc (09022015). Collection method: clinical testing. Allele origin: germline.
Comment: This sequence change replaces glutamic acid, which is acidic and polar, with alanine, which is neutral and non-polar, at codon 141 of the PGM3 protein (p.Glu141Ala). This variant is present in population databases (no rsID available, gnomAD 0.003%). This variant has not been reported in the literature in individuals affected with PGM3-related conditions. ClinVar contains an entry for this variant (Variation ID: 1502204). Algorithms developed to predict the effect of missense changes on protein structure and function output the following: SIFT: "Tolerated"; PolyPhen-2: "Benign"; Align-GVGD: "Class C0". The alanine amino acid residue is found in multiple mammalian species, which suggests that this missense change does not adversely affect protein function. In summary, the available evidence is currently insufficient to determine the role of this variant in disease. Therefore, it has been classified as a Variant of Uncertain Significance.